The following is an entry in ClinVar:

NM_001127222.2(CACNA1A):c.383C>T (p.Pro128Leu)

Gene: CACNA1A (calcium voltage-gated channel subunit alpha1 A; minus strand). Cytogenetic location: 19p13.13.
Variant type: single nucleotide variant.
Coding change: c.383C>T on transcript NM_001127222.2 (MANE Select); coding-DNA position 383, C replaced by T.
Protein change: p.Pro128Leu; replaces proline 128 with leucine.
Molecular consequence: missense variant.
Genome position (GRCh38, 1-based): chr19:13,455,123, G>A on the plus strand (C>T on the coding strand, the complement: CACNA1A is on the minus strand). VCF-style: chr19-13455123-G-A. GRCh37 (hg19) VCF-style: chr19-13565937-G-A.
Other names: c.383C>T, p.Pro128Leu (NM_000068.4, NM_001127221.2, NM_001174080.2 and 1 more transcripts); short protein forms P128L.
Identifiers: ClinVar variation 2950559 (VCV002950559.3), dbSNP rs779447041, ClinGen allele CA9241054.

ClinVar aggregate classification (germline): Uncertain significance (1 of 4 stars; one submission).

Conditions:
Episodic ataxia type 2 (EA2). Also called: CEREBELLAR ATAXIA, PAROXYSMAL, ACETAZOLAMIDE-RESPONSIVE; CEREBELLOPATHY, HEREDITARY PAROXYSMAL; EPISODIC ATAXIA, NYSTAGMUS-ASSOCIATED; ACETAZOLAMIDE-RESPONSIVE HEREDITARY PAROXYSMAL CEREBELLAR ATAXIA; ATAXIA, EPISODIC, WITH NYSTAGMUS; ATAXIA, FAMILIAL PAROXYSMAL. Identifiers: Orphanet 97, MedGen C1720416, MONDO:0007163, OMIM 108500.
Developmental and epileptic encephalopathy, 42 (DEE42A). Also called: Epileptic encephalopathy, early infantile, 42; DEVELOPMENTAL AND EPILEPTIC ENCEPHALOPATHY 42A; EPILEPTIC ENCEPHALOPATHY, EARLY INFANTILE, 42A. Identifiers: MedGen C4310716, MONDO:0014917, OMIM 617106.

Allele frequency attached by ClinVar (database versions not stated): ExAC 0.00001; gnomAD 0.00001; gnomAD exomes 0.00002; TOPMed 0.00002.
gnomAD v4.1: 30 of 1,606,558 alleles (0.0019%); highest among the groups gnomAD compares: Middle Eastern, 0.016%; no homozygotes.

Submission:

Labcorp Genetics (formerly Invitae), Labcorp
Classification: Uncertain significance for Developmental and epileptic encephalopathy, 42; Episodic ataxia type 2. Last evaluated: 2025-02-24. Review status: criteria provided, single submitter. Criteria: Invitae Variant Classification Sherloc (09022015). Collection method: clinical testing. Allele origin: germline.
Comment: This sequence change replaces proline, which is neutral and non-polar, with leucine, which is neutral and non-polar, at codon 128 of the CACNA1A protein (p.Pro128Leu). This variant is present in population databases (rs779447041, gnomAD 0.002%). This variant has not been reported in the literature in individuals affected with CACNA1A-related conditions. ClinVar contains an entry for this variant (Variation ID: 2950559). Invitae Evidence Modeling of protein sequence and biophysical properties (such as structural, functional, and spatial information, amino acid conservation, physicochemical variation, residue mobility, and thermodynamic stability) indicates that this missense variant is expected to disrupt CACNA1A protein function with a positive predictive value of 95%. In summary, the available evidence is currently insufficient to determine the role of this variant in disease. Therefore, it has been classified as a Variant of Uncertain Significance.